The following is an entry in ClinVar:

ClinVar aggregate classification (germline): Uncertain significance (1 of 4 stars; one submission).

Conditions:
Combined oxidative phosphorylation defect type 17. Also called: Combined oxidative phosphorylation deficiency 17. Identifiers: Orphanet 369913, MedGen C3809526, MONDO:0014190, OMIM 615440.

Submission:

Labcorp Genetics (formerly Invitae), Labcorp
Classification: Uncertain significance for Combined oxidative phosphorylation defect type 17. Last evaluated: 2022-12-30. Review status: criteria provided, single submitter. Criteria: Invitae Variant Classification Sherloc (09022015). Collection method: clinical testing. Allele origin: germline.
Comment: In summary, the available evidence is currently insufficient to determine the role of this variant in disease. Therefore, it has been classified as a Variant of Uncertain Significance. Experimental studies and prediction algorithms are not available or were not evaluated, and the functional significance of this variant is currently unknown. This variant has not been reported in the literature in individuals affected with ELAC2-related conditions. This variant is not present in population databases (gnomAD no frequency). This sequence change results in a frameshift in the ELAC2 gene (p.Phe771Cysfs*97). While this is not anticipated to result in nonsense mediated decay, it is expected to disrupt the last 56 amino acid(s) of the ELAC2 protein and extend the protein by 40 additional amino acid residues.

NM_018127.7(ELAC2):c.2312_2313del (p.Phe771fs)

Gene: ELAC2 (elaC ribonuclease Z 2; minus strand). Cytogenetic location: 17p12.
Variant type: Deletion.
Coding change: c.2312_2313del on transcript NM_018127.7 (MANE Select); coding-DNA positions 2312 to 2313, 2 bases deleted (TT; older notation c.2312_2313delTT).
Protein change: p.Phe771fs; shifts the reading frame from phenylalanine 771.
Molecular consequence: frameshift variant.
Genome position (GRCh38, 1-based): chr17:12,992,986-12,992,987, AA deleted on the plus strand (TT on the coding strand, the reverse complement: ELAC2 is on the minus strand); deleting any 2 consecutive bases within chr17:12,992,986-12,992,988 gives the same sequence; the c. name uses the placement nearest the transcript's 3' end. VCF-style (leftmost placement, unchanged base first): chr17-12992985-CAA-C. GRCh37 (hg19) VCF-style: chr17-12896302-CAA-C.
Other names: c.2192_2193del, p.Phe731fs (NM_001165962.2); c.2309_2310del, p.Phe770fs (NM_173717.2); short protein forms F731fs, F771fs, F770fs.
Identifiers: ClinVar variation 2824952 (VCV002824952.3), dbSNP rs2508202295, ClinGen allele CA2739267196.
Genomic context (GRCh38, chr17:12,992,985, plus strand): 5'-CCCGCACCTGCCGCAGCTCCCGCTTCTCCCTGCGCTCCTCCATCTCCTCGATGTCGCCAG[CAA>C]ACAGGGCTTTCAGTGGGGGAATCAGCTTGGGCATTGTTGGAAAGTCTCCAAAGCAGACCT-3'